The following is an entry in ClinVar:

NM_002480.3(PPP1R12A):c.1639T>A (p.Ser547Thr)

Gene: PPP1R12A (protein phosphatase 1 regulatory subunit 12A; minus strand). Cytogenetic location: 12q21.2.
Variant type: single nucleotide variant.
Coding change: c.1639T>A on transcript NM_002480.3 (MANE Select); coding-DNA position 1639, T replaced by A.
Protein change: p.Ser547Thr; replaces serine 547 with threonine.
Molecular consequence: missense variant.
Genome position (GRCh38, 1-based): chr12:79,807,242, A>T on the plus strand (T>A on the coding strand, the complement: PPP1R12A is on the minus strand). VCF-style: chr12-79807242-A-T. GRCh37 (hg19) VCF-style: chr12-80201022-A-T.
Other names: c.1639T>A, p.Ser547Thr (NM_001143885.2, NM_001244990.2, NM_001244992.1); c.1378T>A, p.Ser460Thr (NM_001143886.2); c.1639T>A (NM_002480.2); short protein forms S547T, S460T.
Identifiers: ClinVar variation 3699733 (VCV003699733.3).

ClinVar aggregate classification (germline): Uncertain significance. Review status: criteria provided, multiple submitters, no conflicts (2 of 4 stars). 2 submissions from 2 submitters: Uncertain significance (2). Last evaluated 2025-01-20.

Conditions:
Inborn genetic diseases. Identifiers: MedGen C0950123, MeSH D030342.

gnomAD v4.1: 25 of 1,530,278 alleles (0.0016%); highest among the groups gnomAD compares: Non-Finnish European, 0.002%; no homozygotes.

Submissions (2):

Ambry Genetics
Classification: Uncertain significance for Inborn genetic diseases. Last evaluated: 2025-01-20. Review status: criteria provided, single submitter. Criteria: Ambry Variant Classification Scheme 2023. Collection method: clinical testing. Allele origin: germline.

Labcorp Genetics (formerly Invitae), Labcorp
Classification: Uncertain significance. Last evaluated: 2024-06-08. Review status: criteria provided, single submitter. Criteria: Invitae Variant Classification Sherloc (09022015). Collection method: clinical testing. Allele origin: germline.
Comment: This sequence change replaces serine, which is neutral and polar, with threonine, which is neutral and polar, at codon 547 of the PPP1R12A protein (p.Ser547Thr). This variant is present in population databases (rs771158053, gnomAD 0.004%). This variant has not been reported in the literature in individuals affected with PPP1R12A-related conditions. Algorithms developed to predict the effect of missense changes on protein structure and function output the following: SIFT: "Not Available"; PolyPhen-2: "Benign"; Align-GVGD: "Not Available". The threonine amino acid residue is found in multiple mammalian species, which suggests that this missense change does not adversely affect protein function. In summary, the available evidence is currently insufficient to determine the role of this variant in disease. Therefore, it has been classified as a Variant of Uncertain Significance.